The following is an entry in ClinVar:

NM_001330260.2(SCN8A):c.4568C>A (p.Ala1523Asp)

Gene: SCN8A (sodium voltage-gated channel alpha subunit 8; plus strand). Cytogenetic location: 12q13.13.
Variant type: single nucleotide variant.
Coding change: c.4568C>A on transcript NM_001330260.2 (MANE Select); coding-DNA position 4568, C replaced by A.
Protein change: p.Ala1523Asp; replaces alanine 1523 with aspartic acid.
Molecular consequence: missense variant.
Genome position (GRCh38, 1-based): chr12:51,794,414, C>A. VCF-style: chr12-51794414-C-A. GRCh37 (hg19) VCF-style: chr12-52188198-C-A.
Other names: c.4445C>A, p.Ala1482Asp (NM_001177984.3, NM_001369788.1); c.4568C>A, p.Ala1523Asp (NM_014191.4); short protein forms A1523D, A1482D.
Identifiers: ClinVar variation 1354780 (VCV001354780.7), dbSNP rs2138919071, ClinGen allele CA384878598.

ClinVar aggregate classification (germline): Pathogenic (1 of 4 stars; one submission).

Conditions:
Early-infantile DEE. Also called: Early infantile epileptic encephalopathy with suppression bursts; Ohtahara syndrome; Early infantile epileptic encephalopathy. Identifiers: Orphanet 1934, MedGen C0393706, MONDO:0800491.

Submission:

Labcorp Genetics (formerly Invitae), Labcorp
Classification: Pathogenic for Early-infantile DEE. Last evaluated: 2021-09-19. Review status: criteria provided, single submitter. Criteria: Invitae Variant Classification Sherloc (09022015). Collection method: clinical testing. Allele origin: germline.
Comment: For these reasons, this variant has been classified as Pathogenic. Algorithms developed to predict the effect of missense changes on protein structure and function are either unavailable or do not agree on the potential impact of this missense change (SIFT: "Deleterious"; PolyPhen-2: "Benign"; Align-GVGD: "Class C0"). This missense change has been observed in individual(s) with SCN8A-related conditions (PMID: 32920374; Invitae). In at least one individual the variant was observed to be de novo. It has also been observed to segregate with disease in related individuals. This variant is not present in population databases (ExAC no frequency). This sequence change replaces alanine with aspartic acid at codon 1523 of the SCN8A protein (p.Ala1523Asp). The alanine residue is highly conserved and there is a moderate physicochemical difference between alanine and aspartic acid.

Literature cited by the submitters: PubMed 32920374.